The following is an entry in ClinVar:

NM_004525.3(LRP2):c.10474G>A (p.Glu3492Lys)

Gene: LRP2 (LDL receptor related protein 2; minus strand). Cytogenetic location: 2q31.1.
Variant type: single nucleotide variant.
Coding change: c.10474G>A on transcript NM_004525.3 (MANE Select); coding-DNA position 10474, G replaced by A.
Protein change: p.Glu3492Lys; replaces glutamic acid 3492 with lysine.
Molecular consequence: missense variant.
Genome position (GRCh38, 1-based): chr2:169,176,508, C>T on the plus strand (G>A on the coding strand, the complement: LRP2 is on the minus strand). VCF-style: chr2-169176508-C-T. GRCh37 (hg19) VCF-style: chr2-170033018-C-T.
Other names: c.10474G>A (NM_004525.2); short protein forms E3492K.
Identifiers: ClinVar variation 3584726 (VCV003584726.2).

ClinVar aggregate classification (germline): Uncertain significance. Review status: criteria provided, multiple submitters, no conflicts (2 of 4 stars). 2 submissions from 2 submitters: Uncertain significance (2). Last evaluated 2026-03-27.

Conditions:
Inborn genetic diseases. Identifiers: MedGen C0950123, MeSH D030342.
Donnai-Barrow syndrome. Also called: DBS/FOAR SYNDROME; FACIOOCULOACOUSTICORENAL SYNDROME. Identifiers: Orphanet 2143, MedGen C1857277, MONDO:0009104, OMIM 222448.

gnomAD v4.1: 32 of 1,614,058 alleles (0.002%); highest among the groups gnomAD compares: African/African-American, 0.0027%; no homozygotes.

Submissions (2):

Ambry Genetics
Classification: Uncertain significance for Inborn genetic diseases. Last evaluated: 2026-03-27. Review status: criteria provided, single submitter. Criteria: Ambry Variant Classification Scheme 2023. Collection method: clinical testing. Allele origin: germline.
Comment: The c.10474G>A (p.E3492K) alteration is located in exon 54 (coding exon 54) of the LRP2 gene. This alteration results from a G to A substitution at nucleotide position 10474, causing the glutamic acid (E) at amino acid position 3492 to be replaced by a lysine (K). Based on data from gnomAD, the A allele has an overall frequency of 0.001% (2/251428) total alleles studied. The highest observed frequency was 0.006% (1/16256) of African alleles. Based on insufficient or conflicting evidence, the clinical significance of this alteration remains unclear.

Fulgent Genetics
Classification: Uncertain significance for Donnai-Barrow syndrome. Last evaluated: 2024-02-07. Review status: criteria provided, single submitter. Criteria: ACMG Guidelines, 2015. Collection method: clinical testing. Allele origin: germline.